The following is an entry in ClinVar:

NM_000348.4(SRD5A2):c.703T>C (p.Tyr235His)

Gene: SRD5A2 (steroid 5 alpha-reductase 2; minus strand). Cytogenetic location: 2p23.1.
Variant type: single nucleotide variant.
Coding change: c.703T>C on transcript NM_000348.4 (MANE Select); coding-DNA position 703, T replaced by C.
Protein change: p.Tyr235His; replaces tyrosine 235 with histidine.
Molecular consequence: missense variant.
Genome position (GRCh38, 1-based): chr2:31,526,258, A>G on the plus strand (T>C on the coding strand, the complement: SRD5A2 is on the minus strand). VCF-style: chr2-31526258-A-G. GRCh37 (hg19) VCF-style: chr2-31751328-A-G.
Other names: short protein forms Y235H.
Identifiers: ClinVar variation 2443271 (VCV002443271.2), dbSNP rs2465619485, ClinGen allele CA346597820.

ClinVar aggregate classification (germline): Uncertain significance (0 of 4 stars; one submission).

Allele frequency attached by ClinVar (database versions not stated): gnomAD exomes below 0.00001.
gnomAD v4.1: 1 of 1,571,548 alleles (0.000064%); highest among the groups gnomAD compares: Non-Finnish European, 0.000087%; no homozygotes.

Submission:

Genetic Services Laboratory, University of Chicago
Classification: Uncertain significance. Last evaluated: 2022-09-01. Review status: no assertion criteria provided. Collection method: clinical testing. Allele origin: germline. Affected: no.
Comment: DNA sequence analysis of the SRD5A2 gene demonstrated a sequence change, c.703T>C, in exon 5 that results in an amino acid change, p.Tyr235His. This sequence change does not appear to have been previously described in individuals with SRD5A2-related disorders and has also not been described in population databases such as ExAC and gnomAD. The p.Tyr235His change affects a moderately conserved amino acid residue located in a domain of the SRD5A2 protein that is known to be functional. In-silico pathogenicity prediction tools (SIFT, PolyPhen2, Align GVGD, REVEL) provide contradictory results for the p.Tyr235His substitution. A different amino acid substitution at the same position, p.Tyr235Phe, has been reported in individuals with SRD5A2-related disorders in the homozygous and compound heterozygous state (PMID: 12633446, 25266188, 33516834). Due to insufficient evidences and the lack of functional studies, the clinical significance of the p.Tyr235His change remains unknown at this time. Biallelic pathogenic variants in SRD5A2 are associated with pseudovaginal perineoscrotal hypospadias [OMIM# 264600].